The following is an entry in ClinVar:

ClinVar aggregate classification (germline): Pathogenic (1 of 4 stars; one submission).

Conditions:
Familial adenomatous polyposis 3. Also called: NTHL1-associated polyposis; NTHL1-Related Adenomatous Polyposis and Colorectal Cancer; NTHL1-related attenuated familial adenomatous polyposis; NTHL1 Tumor Syndrome. Identifiers: Orphanet 220460, Orphanet 454840, MedGen C4225157, MONDO:0014630, OMIM 616415.

Submission:

Myriad Genetics, Inc.
Classification: Pathogenic for Familial adenomatous polyposis 3. Last evaluated: 2024-01-09. Review status: criteria provided, single submitter. Criteria: Myriad Autosomal Dominant, Autosomal Recessive and X-Linked Classification Criteria (2023). Collection method: clinical testing. Allele origin: unknown.
Comment: This variant is considered pathogenic. This variant creates a frameshift predicted to result in premature protein truncation.

NM_002528.7(NTHL1):c.199_284del (p.Lys67fs)

Gene: NTHL1 (nth like DNA glycosylase 1; minus strand). Cytogenetic location: 16p13.3.
Variant type: Deletion.
Coding change: c.199_284del on transcript NM_002528.7 (MANE Select); coding-DNA positions 199 to 284, 86 bases deleted.
Protein change: p.Lys67fs; shifts the reading frame from lysine 67.
Molecular consequence: frameshift variant. On other transcripts: splice donor variant (1).
Genome position (GRCh38, 1-based): chr16:2,046,198-2,046,283, 86 bases deleted. GRCh37 (hg19): chr16:2,096,203-2,096,288.
Other names: c.199_284del, p.Lys67fs (NM_001318193.2); c.21_24+82del (NM_001318194.2); short protein forms K67fs.
Identifiers: ClinVar variation 3148665 (VCV003148665.1), dbSNP rs2548319715, ClinGen allele CA2825002411.